The following is an entry in ClinVar:

ClinVar aggregate classification (germline): Uncertain significance (1 of 4 stars; one submission).

Submission:

GeneDx
Classification: Uncertain significance. Last evaluated: 2023-11-15. Review status: criteria provided, single submitter. Criteria: GeneDx Variant Classification Process June 2021. Collection method: clinical testing. Allele origin: germline. Affected: yes.
Comment: Not observed at significant frequency in large population cohorts (gnomAD); Missense variants in this gene are a common cause of disease and they are underrepresented in the general population; In silico analysis supports that this missense variant has a deleterious effect on protein structure/function; In silico analysis supports a deleterious effect on splicing; Has not been previously published as pathogenic or benign to our knowledge; This substitution is predicted to be within the extracellular loop between the S5 and S6 transmembrane segments of the first homologous domain.

NM_001330260.2(SCN8A):c.908A>T (p.Glu303Val)

Gene: SCN8A (sodium voltage-gated channel alpha subunit 8; plus strand). Cytogenetic location: 12q13.13.
Variant type: single nucleotide variant.
Coding change: c.908A>T on transcript NM_001330260.2 (MANE Select); coding-DNA position 908, A replaced by T.
Protein change: p.Glu303Val; replaces glutamic acid 303 with valine.
Molecular consequence: missense variant.
Genome position (GRCh38, 1-based): chr12:51,699,771, A>T. VCF-style: chr12-51699771-A-T. GRCh37 (hg19) VCF-style: chr12-52093555-A-T.
Other names: c.908A>T, p.Glu303Val (NM_001177984.3, NM_001369788.1, NM_014191.4); short protein forms E303V.
Identifiers: ClinVar variation 3364327 (VCV003364327.1).